The following is an entry in ClinVar:

NM_030787.4(CFHR5):c.583T>A (p.Ser195Thr)

Gene: CFHR5 (complement factor H related 5; plus strand). Cytogenetic location: 1q31.3.
Variant type: single nucleotide variant.
Coding change: c.583T>A on transcript NM_030787.4 (MANE Select); coding-DNA position 583, T replaced by A.
Protein change: p.Ser195Thr; replaces serine 195 with threonine.
Molecular consequence: missense variant.
Genome position (GRCh38, 1-based): chr1:196,994,232, T>A. VCF-style: chr1-196994232-T-A. GRCh37 (hg19) VCF-style: chr1-196963362-T-A.
Other names: short protein forms S195T.
Identifiers: ClinVar variation 37240 (VCV000037240.7), dbSNP rs318240755, ClinGen allele CA130122.
Genomic context (GRCh38, chr1:196,994,232, plus strand): 5'-TGCAGAAAAAATCTTATAAGAGTTGGATCAGACTCAGTTCAATGTTACCAATTTGGGTGG[T>A]CACCTAACTTTCCAACATGCAAAGGTCAGTATTTATTTTAGAAGTGATGAAACAAGAATT-3'
Protein context (NP_110414.1, residues 185-205): DSVQCYQFGW[Ser195Thr]PNFPTCKGQV

ClinVar aggregate classification (germline): Uncertain significance. Review status: criteria provided, multiple submitters, no conflicts (2 of 4 stars). 5 submissions from 5 submitters: Uncertain significance (3). 2 of the submissions do not count toward it. Last evaluated 2023-04-11.

Conditions:
CFHR5 deficiency. Identifiers: MedGen C3553720.
CFH-Related Dense Deposit Disease / Membranoproliferative Glomerulonephritis Type II. Identifiers: MedGen CN071292.
Variant of unknown significance. Identifiers: MedGen C2986382.

Allele frequency attached by ClinVar (database versions not stated): TOPMed 0.00001; gnomAD 0.00001; gnomAD exomes 0.00001.
gnomAD v4.1: 28 of 1,613,424 alleles (0.0017%); highest among the groups gnomAD compares: Non-Finnish European, 0.0024%; no homozygotes.

Submissions (5):

Genome-Nilou Lab
Classification: Uncertain significance for C3 glomerulonephritis. Last evaluated: 2023-04-11. Review status: criteria provided, single submitter. Criteria: ACMG Guidelines, 2015. Collection method: clinical testing. Allele origin: germline. Affected: no.

Fulgent Genetics
Classification: Uncertain significance for C3 glomerulonephritis. Last evaluated: 2022-04-14. Review status: criteria provided, single submitter. Criteria: ACMG Guidelines, 2015. Collection method: clinical testing. Allele origin: unknown.

Illumina Laboratory Services, Illumina
Classification: Uncertain significance for Membranoproliferative glomerulonephritis with complement factor h deficiency. Last evaluated: 2017-09-15. Review status: criteria provided, single submitter. Criteria: ICSL Variant Classification Criteria 13 December 2019. Collection method: clinical testing. Allele origin: germline.
Comment: This variant was observed as part of a predisposition screen in an ostensibly healthy population. A literature search was performed for the gene, cDNA change, and amino acid change (where applicable). Publications were found based on this search. However, the evidence from the literature, in combination with allele frequency data from public databases where available, was not sufficient to rule this variant in or out of causing disease. Therefore, this variant is classified as a variant of unknown significance.

OMIM
Classification: Uncertain significance for VARIANT OF UNKNOWN SIGNIFICANCE. Last evaluated: 2012-07-01. Review status: no assertion criteria provided. Collection method: literature only. Allele origin: germline. Not counted in ClinVar's aggregate classification.

UniProtKB/Swiss-Prot
No classification provided. Review status: no classification provided. Collection method: not provided. Allele origin: not provided. Not counted in ClinVar's aggregate classification.
Comment: found in patients with atypical hemolytic uremic syndrome

Literature cited by the submitters: PubMed 22622361 (cited by Illumina Laboratory Services, Illumina and OMIM).